The following is an entry in ClinVar:

ClinVar aggregate classification (germline): Uncertain significance (1 of 4 stars; one submission).

Conditions:
Joubert syndrome. Also called: Familial aplasia of the vermis; JOUBERT-BOLTSHAUSER SYNDROME. Identifiers: Orphanet 475, MedGen C5979921, MONDO:0018772.
Meckel-Gruber syndrome. Also called: Dysencephalia splachnocystica; DYSENCEPHALIA SPLANCHNOCYSTICA; GRUBER SYNDROME. Identifiers: Orphanet 564, MedGen C0265215, MONDO:0018921.

gnomAD v4.1: 7 of 1,613,790 alleles (0.00043%); highest among the groups gnomAD compares: Non-Finnish European, 0.00059%; no homozygotes.

Submission:

Labcorp Genetics (formerly Invitae), Labcorp
Classification: Uncertain significance for Joubert syndrome; Meckel-Gruber syndrome. Last evaluated: 2023-11-27. Review status: criteria provided, single submitter. Criteria: Invitae Variant Classification Sherloc (09022015). Collection method: clinical testing. Allele origin: germline.
Comment: This sequence change replaces threonine, which is neutral and polar, with lysine, which is basic and polar, at codon 846 of the CC2D2A protein (p.Thr846Lys). This variant is present in population databases (no rsID available, gnomAD 0.0009%). This variant has not been reported in the literature in individuals affected with CC2D2A-related conditions. ClinVar contains an entry for this variant (Variation ID: 1954833). Advanced modeling of protein sequence and biophysical properties (such as structural, functional, and spatial information, amino acid conservation, physicochemical variation, residue mobility, and thermodynamic stability) performed at Invitae indicates that this missense variant is not expected to disrupt CC2D2A protein function with a negative predictive value of 95%. In summary, the available evidence is currently insufficient to determine the role of this variant in disease. Therefore, it has been classified as a Variant of Uncertain Significance.

NM_001378615.1(CC2D2A):c.2537C>A (p.Thr846Lys)

Genes: CC2D2A (coiled-coil and C2 domain containing 2A; plus strand), FBXL5 (F-box and leucine rich repeat protein 5; minus strand). Cytogenetic location: 4p15.32.
Variant type: single nucleotide variant.
Coding change: c.2537C>A on transcript NM_001378615.1 (MANE Select); coding-DNA position 2537, C replaced by A.
Protein change: p.Thr846Lys; replaces threonine 846 with lysine.
Molecular consequence: missense variant.
Genome position (GRCh38, 1-based): chr4:15,555,122, C>A. VCF-style: chr4-15555122-C-A. GRCh37 (hg19) VCF-style: chr4-15556745-C-A.
Other names: c.2537C>A, p.Thr846Lys (NM_001080522.2); c.2390C>A, p.Thr797Lys (NM_001378617.1); short protein forms T846K, T797K.
Identifiers: ClinVar variation 1954833 (VCV001954833.4), dbSNP rs534682728, ClinGen allele CA356420314.